The following is an entry in ClinVar:

NM_024529.5(CDC73):c.1189T>G (p.Cys397Gly)

Gene: CDC73 (cell division cycle 73; plus strand). Cytogenetic location: 1q31.2.
Variant type: single nucleotide variant.
Coding change: c.1189T>G on transcript NM_024529.5 (MANE Select); coding-DNA position 1189, T replaced by G.
Protein change: p.Cys397Gly; replaces cysteine 397 with glycine.
Molecular consequence: missense variant.
Genome position (GRCh38, 1-based): chr1:193,233,027, T>G. VCF-style: chr1-193233027-T-G. GRCh37 (hg19) VCF-style: chr1-193202157-T-G.
Other names: short protein forms C397G.
Identifiers: ClinVar variation 4827862 (VCV004827862.1).

ClinVar aggregate classification (germline): Uncertain significance (1 of 4 stars; one submission).

Conditions:
Hereditary cancer-predisposing syndrome. Also called: Neoplastic Syndromes, Hereditary; Tumor predisposition; Hereditary Cancer Syndrome; Hereditary neoplastic syndrome. Identifiers: Orphanet 140162, MedGen C0027672, MeSH D009386, MONDO:0015356.

Submission:

Ambry Genetics
Classification: Uncertain significance for Hereditary cancer-predisposing syndrome. Last evaluated: 2026-02-15. Review status: criteria provided, single submitter. Criteria: Ambry Variant Classification Scheme 2023. Collection method: clinical testing. Allele origin: germline.
Comment: The p.C397G variant (also known as c.1189T>G), located in coding exon 14 of the CDC73 gene, results from a T to G substitution at nucleotide position 1189. The cysteine at codon 397 is replaced by glycine, an amino acid with highly dissimilar properties. This amino acid position is conserved. In addition, this alteration is predicted to be tolerated by in silico analysis. Based on the available evidence, the clinical significance of this variant remains unclear.